The following is an entry in ClinVar:

NM_021942.6(TRAPPC11):c.1365A>G (p.Leu455=)

Gene: TRAPPC11 (trafficking protein particle complex subunit 11; plus strand). Cytogenetic location: 4q35.1.
Variant type: single nucleotide variant.
Coding change: c.1365A>G on transcript NM_021942.6 (MANE Select); coding-DNA position 1365, A replaced by G.
Protein change: p.Leu455=; no amino-acid change (leucine 455 retained).
Molecular consequence: synonymous variant.
Genome position (GRCh38, 1-based): chr4:183,684,222, A>G. VCF-style: chr4-183684222-A-G. GRCh37 (hg19) VCF-style: chr4-184605375-A-G.
Other names: c.1365A>G, p.Leu455= (NM_199053.3).
Identifiers: ClinVar variation 2176040 (VCV002176040.4), dbSNP rs2476869860, ClinGen allele CA442576870.
Genomic context (GRCh38, chr4:183,684,222, plus strand): 5'-TCTGAGCAATGCTGTTGCACAGTTCAAGAAGTATAAGTGCCCGCGAATGAAAAGTCACCT[A>G]AGTATGTATCCACAAACGTCACCATTGCATGCAACTTTGAATGACTTTAAGTTACATACA-3'
Protein context (NP_068761.4, residues 445-465): KYKCPRMKSH[Leu455=]MVQMGEEYYY

ClinVar aggregate classification (germline): Uncertain significance (1 of 4 stars; one submission).

Conditions:
Autosomal recessive limb-girdle muscular dystrophy type R18 (LGMDR18). Also called: Limb-girdle muscular dystrophy, type 2S; MUSCULAR DYSTROPHY, LIMB-GIRDLE, AUTOSOMAL RECESSIVE 18; Autosomal recessive limb-girdle muscular dystrophy type 2S. Identifiers: Orphanet 369840, MedGen C4517996, MONDO:0014144, OMIM 615356.

Allele frequency attached by ClinVar (database versions not stated): gnomAD exomes 0.00001.
gnomAD v4.1: 5 of 1,613,876 alleles (0.00031%); highest among the groups gnomAD compares: Non-Finnish European, 0.00042%; no homozygotes.

Submission:

Labcorp Genetics (formerly Invitae), Labcorp
Classification: Uncertain significance for Autosomal recessive limb-girdle muscular dystrophy type R18. Last evaluated: 2022-04-15. Review status: criteria provided, single submitter. Criteria: Invitae Variant Classification Sherloc (09022015). Collection method: clinical testing. Allele origin: germline.
Comment: This variant has not been reported in the literature in individuals affected with TRAPPC11-related conditions. Algorithms developed to predict the effect of sequence changes on RNA splicing suggest that this variant is not likely to affect RNA splicing. In summary, the available evidence is currently insufficient to determine the role of this variant in disease. Therefore, it has been classified as a Variant of Uncertain Significance. This variant is not present in population databases (gnomAD no frequency). This sequence change affects codon 455 of the TRAPPC11 mRNA. It is a 'silent' change, meaning that it does not change the encoded amino acid sequence of the TRAPPC11 protein. It affects a nucleotide within the consensus splice site.